The following is an entry in ClinVar:

ClinVar aggregate classification (germline): Uncertain significance. Review status: criteria provided, multiple submitters, no conflicts (2 of 4 stars). 4 submissions from 4 submitters: Uncertain significance (3). 1 of the submissions does not count toward it. Last evaluated 2025-10-07.

Conditions:
Autosomal recessive limb-girdle muscular dystrophy. Identifiers: Orphanet 102015, MedGen C2931907, MONDO:0015152.
Neuromuscular disease caused by qualitative or quantitative defects of dysferlin. Also called: Dysferlinopathy; Qualitative or quantitative defects of dysferlin. Identifiers: Orphanet 207073, MedGen C2931687, MONDO:0016145.
Autosomal recessive limb-girdle muscular dystrophy type 2B (LGMDR2). Also called: MUSCULAR DYSTROPHY, LIMB-GIRDLE, TYPE 3; Limb-girdle muscular dystrophy, type 2B; MUSCULAR DYSTROPHY, LIMB-GIRDLE, AUTOSOMAL RECESSIVE 2; Limb-Girdle Muscular Dystrophy Type 2B (LGMD2B). Identifiers: Orphanet 268, MedGen C1850889, MONDO:0009676, OMIM 253601.

Allele frequency attached by ClinVar (database versions not stated): ExAC 0.00001; gnomAD 0.00002; gnomAD exomes 0.00002; TOPMed 0.00002.
gnomAD v4.1: 33 of 1,613,976 alleles (0.002%); highest among the groups gnomAD compares: Admixed American, 0.0067%; no homozygotes.

Submissions (4):

Myriad Genetics, Inc.
Classification: Uncertain significance for Autosomal recessive limb-girdle muscular dystrophy. Last evaluated: 2025-10-07. Review status: criteria provided, single submitter. Criteria: Myriad Autosomal Dominant, Autosomal Recessive and X-Linked Classification Criteria (2023). Collection method: clinical testing. Allele origin: unknown.
Comment: NM_003494.3(DYSF):c.3290G>A(R1097H) is a missense variant classified as a variant of uncertain significance in the context of dysferlinopathy. R1097H has been observed in a case with relevant disease (PMID: 39678382). Relevant functional assessments of this variant are not available in the literature. R1097H has been observed in referenced population frequency databases. In summary, there is insufficient evidence to classify NM_003494.3(DYSF):c.3290G>A(R1097H) as pathogenic or benign. Please note: this variant was assessed in the context of healthy population screening.

GeneDx
Classification: Uncertain significance. Last evaluated: 2023-07-10. Review status: criteria provided, single submitter. Criteria: GeneDx Variant Classification Process June 2021. Collection method: clinical testing. Allele origin: germline. Affected: yes.
Comment: Not observed at significant frequency in large population cohorts (gnomAD); In silico analysis supports that this missense variant has a deleterious effect on protein structure/function; Has not been previously published as pathogenic or benign to our knowledge

Labcorp Genetics (formerly Invitae), Labcorp
Classification: Uncertain significance for Neuromuscular disease caused by qualitative or quantitative defects of dysferlin. Last evaluated: 2022-08-09. Review status: criteria provided, single submitter. Criteria: Invitae Variant Classification Sherloc (09022015). Collection method: clinical testing. Allele origin: germline.
Comment: This sequence change replaces arginine, which is basic and polar, with histidine, which is basic and polar, at codon 1097 of the DYSF protein (p.Arg1097His). This variant is present in population databases (rs749610930, gnomAD 0.003%). This variant has not been reported in the literature in individuals affected with DYSF-related conditions. ClinVar contains an entry for this variant (Variation ID: 471297). Advanced modeling of protein sequence and biophysical properties (such as structural, functional, and spatial information, amino acid conservation, physicochemical variation, residue mobility, and thermodynamic stability) performed at Invitae indicates that this missense variant is not expected to disrupt DYSF protein function. In summary, the available evidence is currently insufficient to determine the role of this variant in disease. Therefore, it has been classified as a Variant of Uncertain Significance.

Natera, Inc.
Classification: Uncertain significance for Limb-girdle muscular dystrophy type 2B. Last evaluated: 2020-10-10. Review status: no assertion criteria provided. Collection method: clinical testing. Allele origin: germline. Not counted in ClinVar's aggregate classification.

Literature cited by the submitters: PubMed 39678382 (cited by Myriad Genetics, Inc.).

NM_001130987.2(DYSF):c.3344G>A (p.Arg1115His)

Gene: DYSF (dysferlin; plus strand). Cytogenetic location: 2p13.2.
Variant type: single nucleotide variant.
Coding change: c.3344G>A on transcript NM_001130987.2 (MANE Select); coding-DNA position 3344, G replaced by A.
Protein change: p.Arg1115His; replaces arginine 1115 with histidine.
Molecular consequence: missense variant.
Genome position (GRCh38, 1-based): chr2:71,574,313, G>A. VCF-style: chr2-71574313-G-A. GRCh37 (hg19) VCF-style: chr2-71801443-G-A.
Other names: c.3293G>A, p.Arg1098His (NM_001130455.2, NM_001130983.2); c.3248G>A, p.Arg1083His (NM_001130976.2, NM_001130977.2); c.3290G>A, p.Arg1097His (NM_001130978.2, NM_003494.4); c.3383G>A, p.Arg1128His (NM_001130979.2); c.3341G>A, p.Arg1114His (NM_001130980.2, NM_001130981.2); c.3386G>A, p.Arg1129His (NM_001130982.2); c.3251G>A, p.Arg1084His (NM_001130984.2, NM_001130986.2); c.3344G>A, p.Arg1115His (NM_001130985.2); short protein forms R1097H, R1115H, R1083H, R1084H, R1098H, R1128H, R1129H, R1114H.
Identifiers: ClinVar variation 471297 (VCV000471297.5), dbSNP rs749610930, ClinGen allele CA1706530.